The following is an entry in ClinVar:

ClinVar aggregate classification (germline): Uncertain significance (1 of 4 stars; one submission).

Submission:

Labcorp Genetics (formerly Invitae), Labcorp
Classification: Uncertain significance. Last evaluated: 2024-10-02. Review status: criteria provided, single submitter. Criteria: Invitae Variant Classification Sherloc (09022015). Collection method: clinical testing. Allele origin: germline.
Comment: This sequence change replaces arginine, which is basic and polar, with lysine, which is basic and polar, at codon 909 of the COL11A2 protein (p.Arg909Lys). This variant is not present in population databases (gnomAD no frequency). This variant has not been reported in the literature in individuals affected with COL11A2-related conditions. Invitae Evidence Modeling of protein sequence and biophysical properties (such as structural, functional, and spatial information, amino acid conservation, physicochemical variation, residue mobility, and thermodynamic stability) indicates that this missense variant is not expected to disrupt COL11A2 protein function with a negative predictive value of 95%. In summary, the available evidence is currently insufficient to determine the role of this variant in disease. Therefore, it has been classified as a Variant of Uncertain Significance.

NM_080680.3(COL11A2):c.2726G>A (p.Arg909Lys)

Gene: COL11A2 (collagen type XI alpha 2 chain; minus strand). Cytogenetic location: 6p21.32.
Variant type: single nucleotide variant.
Coding change: c.2726G>A on transcript NM_080680.3 (MANE Select); coding-DNA position 2726, G replaced by A.
Protein change: p.Arg909Lys; replaces arginine 909 with lysine.
Molecular consequence: missense variant.
Genome position (GRCh38, 1-based): chr6:33,173,358, C>T on the plus strand (G>A on the coding strand, the complement: COL11A2 is on the minus strand). VCF-style: chr6-33173358-C-T. GRCh37 (hg19) VCF-style: chr6-33141135-C-T.
Other names: c.2546G>A, p.Arg849Lys (NM_001424108.1); c.1880G>A, p.Arg627Lys (NM_001424109.1); c.1700G>A, p.Arg567Lys (NM_001424110.1, NM_001424111.1); c.680G>A, p.Arg227Lys (NM_001424112.1); c.2405G>A, p.Arg802Lys (NM_080679.3); c.2468G>A, p.Arg823Lys (NM_080681.3); short protein forms R227K, R567K, R909K, R627K, R802K, R823K, R849K.
Identifiers: ClinVar variation 3635252 (VCV003635252.2).
Genomic context (GRCh38, chr6:33,173,358, plus strand): 5'-AAGGGTCTGATGGAGCCCCCTGAGAATGGGTAGCCAGGAGCATCACTCACCACTTCTCCT[C>T]TTTGGCCTGGGTGTCCCGGCAGCCCATCCTTCCCAGGGGGGCCCTGGAAGGGGTTCAGTT-3'
Protein context (NP_542411.2, residues 899-919): KDGLPGHPGQ[Arg909Lys]GEVGFQGKTG